The following is an entry in ClinVar:

ClinVar aggregate classification (germline): Uncertain significance (1 of 4 stars; one submission).

Submission:

Labcorp Genetics (formerly Invitae), Labcorp
Classification: Uncertain significance. Last evaluated: 2022-07-01. Review status: criteria provided, single submitter. Criteria: Invitae Variant Classification Sherloc (09022015). Collection method: clinical testing. Allele origin: germline.
Comment: In summary, the available evidence is currently insufficient to determine the role of this variant in disease. Therefore, it has been classified as a Variant of Uncertain Significance. Algorithms developed to predict the effect of missense changes on protein structure and function (SIFT, PolyPhen-2, Align-GVGD) all suggest that this variant is likely to be tolerated. This variant has not been reported in the literature in individuals affected with APC2-related conditions. This variant is not present in population databases (gnomAD no frequency). This sequence change replaces glycine, which is neutral and non-polar, with alanine, which is neutral and non-polar, at codon 1485 of the APC2 protein (p.Gly1485Ala).

NM_005883.3(APC2):c.4454G>C (p.Gly1485Ala)

Gene: APC2 (APC regulator of Wnt signaling pathway 2; plus strand). Cytogenetic location: 19p13.3.
Variant type: single nucleotide variant.
Coding change: c.4454G>C on transcript NM_005883.3 (MANE Select); coding-DNA position 4454, G replaced by C.
Protein change: p.Gly1485Ala; replaces glycine 1485 with alanine.
Molecular consequence: missense variant.
Genome position (GRCh38, 1-based): chr19:1,467,755, G>C. VCF-style: chr19-1467755-G-C. GRCh37 (hg19) VCF-style: chr19-1467754-G-C.
Other names: c.4451G>C, p.Gly1484Ala (NM_001351273.1); short protein forms G1484A, G1485A.
Identifiers: ClinVar variation 2012667 (VCV002012667.4), dbSNP rs2084045971, ClinGen allele CA403036982.